The following is an entry in ClinVar:

ClinVar aggregate classification (germline): Pathogenic (1 of 4 stars; one submission).

Conditions:
Breast-ovarian cancer, familial, susceptibility to, 2 (BROVCA2). Also called: BRCA2 Hereditary Breast and Ovarian Cancer. Identifiers: Orphanet 145, MedGen C2675520, MONDO:0012933, OMIM 612555. Disease mechanism: loss of function.

Submission:

Department of Medical Genetics, Oslo University Hospital
Classification: Pathogenic for Breast-ovarian cancer, familial, susceptibility to, 2. Last evaluated: 2015-07-01. Review status: criteria provided, single submitter. Criteria: ACMG Guidelines, 2015. Collection method: clinical testing. Allele origin: germline. Affected: yes. Observed: 1 variant allele.
Comment: Heterozygous deletion of exon 19-21

NC_000013.10:g.(32937671_32944538)_(32950929_32953453)del

Gene: BRCA2 (BRCA2 DNA repair associated; plus strand). Cytogenetic location: 13q13.1.
Variant type: Deletion.
Identifiers: ClinVar variation 440446 (VCV000440446.2).